The following is an entry in ClinVar:

NM_015311.3(OBSL1):c.3700G>A (p.Ala1234Thr)

Gene: OBSL1 (obscurin like cytoskeletal adaptor 1; minus strand). Cytogenetic location: 2q35.
Variant type: single nucleotide variant.
Coding change: c.3700G>A on transcript NM_015311.3 (MANE Select); coding-DNA position 3700, G replaced by A.
Protein change: p.Ala1234Thr; replaces alanine 1234 with threonine.
Molecular consequence: missense variant.
Genome position (GRCh38, 1-based): chr2:219,557,913, C>T on the plus strand (G>A on the coding strand, the complement: OBSL1 is on the minus strand). VCF-style: chr2-219557913-C-T. GRCh37 (hg19) VCF-style: chr2-220422635-C-T.
Other names: c.3700G>A, p.Ala1234Thr (NM_001173431.2); c.3700G>A (NM_015311.2); short protein forms A1234T.
Identifiers: ClinVar variation 1362136 (VCV001362136.7), dbSNP rs533010242, ClinGen allele CA2130778.

ClinVar aggregate classification (germline): Uncertain significance. Review status: criteria provided, multiple submitters, no conflicts (2 of 4 stars). 3 submissions from 3 submitters: Uncertain significance (3). Last evaluated 2025-10-28.

Conditions:
Inborn genetic diseases. Identifiers: MedGen C0950123, MeSH D030342.

Allele frequency attached by ClinVar (database versions not stated): gnomAD exomes 0.00002 and 0.00004; ExAC 0.00005; gnomAD 0.00013 and 0.00014; 1000 Genomes Project 30x 0.00016; TOPMed 0.00019; 1000 Genomes Project 0.00020.
gnomAD v4.1: 51 of 1,604,564 alleles (0.0032%); highest among the groups gnomAD compares: African/African-American, 0.06%; no homozygotes.

Submissions (3):

Women's Health and Genetics/Laboratory Corporation of America, LabCorp
Classification: Uncertain significance. Last evaluated: 2025-10-28. Review status: criteria provided, single submitter. Criteria: LabCorp Variant Classification Summary - May 2015. Collection method: clinical testing. Allele origin: germline.
Comment: Variant summary: OBSL1 c.3700G>A (p.Ala1234Thr) results in a non-conservative amino acid change in the encoded protein sequence. Algorithms developed to predict the effect of missense changes on protein structure and function are either unavailable or do not agree on the potential impact of this missense change. The variant allele was found at a frequency of 3.9e-05 in 232096 control chromosomes. The available data on variant occurrences in the general population are insufficient to allow any conclusion about variant significance. To our knowledge, no occurrence of c.3700G>A in individuals affected with OBSL1-related conditions and no experimental evidence demonstrating its impact on protein function have been reported. ClinVar contains an entry for this variant (Variation ID: 1362136). Based on the evidence outlined above, the variant was classified as uncertain significance.

Labcorp Genetics (formerly Invitae), Labcorp
Classification: Uncertain significance. Last evaluated: 2024-10-23. Review status: criteria provided, single submitter. Criteria: Invitae Variant Classification Sherloc (09022015). Collection method: clinical testing. Allele origin: germline.
Comment: This sequence change replaces alanine, which is neutral and non-polar, with threonine, which is neutral and polar, at codon 1234 of the OBSL1 protein (p.Ala1234Thr). This variant is present in population databases (rs533010242, gnomAD 0.07%). This variant has not been reported in the literature in individuals affected with OBSL1-related conditions. ClinVar contains an entry for this variant (Variation ID: 1362136). An algorithm developed to predict the effect of missense changes on protein structure and function (PolyPhen-2) suggests that this variant is likely to be disruptive. In summary, the available evidence is currently insufficient to determine the role of this variant in disease. Therefore, it has been classified as a Variant of Uncertain Significance.

Ambry Genetics
Classification: Uncertain significance for Inborn genetic diseases. Last evaluated: 2021-07-13. Review status: criteria provided, single submitter. Criteria: Ambry Variant Classification Scheme 2023. Collection method: clinical testing. Allele origin: germline.